The following is an entry in ClinVar:

NM_000334.4(SCN4A):c.611C>T (p.Ala204Val)

Gene: SCN4A (sodium voltage-gated channel alpha subunit 4; minus strand). Cytogenetic location: 17q23.3.
Variant type: single nucleotide variant.
Coding change: c.611C>T on transcript NM_000334.4 (MANE Select); coding-DNA position 611, C replaced by T.
Protein change: p.Ala204Val; replaces alanine 204 with valine.
Molecular consequence: missense variant.
Genome position (GRCh38, 1-based): chr17:63,971,722, G>A on the plus strand (C>T on the coding strand, the complement: SCN4A is on the minus strand). VCF-style: chr17-63971722-G-A. GRCh37 (hg19) VCF-style: chr17-62049082-G-A.
Other names: p.Ala204Val; short protein forms A204V.
Identifiers: ClinVar variation 477430 (VCV000477430.16), dbSNP rs199859508, ClinGen allele CA8710104.

ClinVar aggregate classification (germline): Uncertain significance. Review status: criteria provided, multiple submitters, no conflicts (2 of 4 stars). 5 submissions from 5 submitters: Uncertain significance (5). Last evaluated 2026-02-18.

Conditions:
Paramyotonia congenita of Von Eulenburg. Also called: PARALYSIS PERIODICA PARAMYOTONICA; Paramyotonia Congenita; Eulenburg disease; Myotonia congenita intermittens; Von Eulenburg paramyotonia congenita. Identifiers: Orphanet 684, MedGen C0221055, MONDO:0008195, OMIM 168300. Disease mechanism: loss of function.
Hypokalemic periodic paralysis, type 2 (HOKPP2). Identifiers: Orphanet 681, MedGen C2750061, MONDO:0013234, OMIM 613345.
Potassium-aggravated myotonia. Also called: MYOTONIA CONGENITA, ACETAZOLAMIDE-RESPONSIVE; MYOTONIA CONGENITA, ATYPICAL; Myotonia congenita, atypical, acetazolamide-responsive; SODIUM CHANNEL MUSCLE DISEASE. Identifiers: Orphanet 612, Orphanet 99734, Orphanet 99735, Orphanet 99736, MedGen C2931826, MONDO:0018959, OMIM 608390.
Congenital myasthenic syndrome 16. Identifiers: Orphanet 590, MedGen C3280112, MONDO:0013620, OMIM 614198.
Hyperkalemic periodic paralysis. Also called: Familial hyperkalemic periodic paralysis; Gamstorp disease. Identifiers: Orphanet 682, MedGen C0238357, MONDO:0008224, OMIM 170500, HP:0007215.
Congenital myopathy 22A, classic (CMYO22A). Identifiers: MedGen C5830453, MONDO:0957247, OMIM 620351.
Congenital myopathy 22B, severe fetal (CMYO22B). Identifiers: MedGen C5830501, MONDO:0957265, OMIM 620369.

Allele frequency attached by ClinVar (database versions not stated): gnomAD 0.00017 and 0.00018; TOPMed 0.00017; 1000 Genomes Project 30x 0.00031; 1000 Genomes Project 0.00020; gnomAD exomes 0.00005; ExAC 0.00011; ESP Exome Variant Server 0.00017.
gnomAD v4.1: 55 of 1,591,744 alleles (0.0035%); highest among the groups gnomAD compares: African/African-American, 0.062%; no homozygotes.

Submissions (5):

Women's Health and Genetics/Laboratory Corporation of America, LabCorp
Classification: Uncertain significance. Last evaluated: 2026-02-18. Review status: criteria provided, single submitter. Criteria: LabCorp Variant Classification Summary - May 2015. Collection method: clinical testing. Allele origin: germline.
Comment: Variant summary: SCN4A c.611C>T (p.Ala204Val) results in a non-conservative amino acid change in the encoded protein sequence. Algorithms developed to predict the effect of missense changes on protein structure and function all suggest that this variant is likely to be disruptive. Several computational tools predict a significant impact on normal splicing: Two predict the variant no significant impact on splicing. Three predict the variant creates a 5' donor site. However, these predictions have yet to be confirmed by functional studies. The variant allele was found at a frequency of 5.2e-05 in 213060 control chromosomes. This frequency is not significantly higher than estimated for disease-causing variants in SCN4A, allowing no conclusion about variant significance. To our knowledge, no occurrence of c.611C>T in individuals affected with SCN4A-related conditions and no experimental evidence demonstrating its impact on protein function have been reported. ClinVar contains an entry for this variant (Variation ID: 477430). Based on the evidence outlined above, the variant was classified as uncertain significance.

Labcorp Genetics (formerly Invitae), Labcorp
Classification: Uncertain significance for Hyperkalemic periodic paralysis. Last evaluated: 2025-10-25. Review status: criteria provided, single submitter. Criteria: Invitae Variant Classification Sherloc (09022015). Collection method: clinical testing. Allele origin: germline.
Comment: This sequence change replaces alanine, which is neutral and non-polar, with valine, which is neutral and non-polar, at codon 204 of the SCN4A protein (p.Ala204Val). This variant is present in population databases (rs199859508, gnomAD 0.08%). This variant has not been reported in the literature in individuals affected with SCN4A-related conditions. ClinVar contains an entry for this variant (Variation ID: 477430). Invitae Evidence Modeling of protein sequence and biophysical properties (such as structural, functional, and spatial information, amino acid conservation, physicochemical variation, residue mobility, and thermodynamic stability) indicates that this missense variant is expected to disrupt SCN4A protein function with a positive predictive value of 80%. Algorithms developed to predict the effect of sequence changes on RNA splicing suggest that this variant may create or strengthen a splice site. In summary, the available evidence is currently insufficient to determine the role of this variant in disease. Therefore, it has been classified as a Variant of Uncertain Significance.

Revvity Omics, Revvity
Classification: Uncertain significance. Last evaluated: 2025-02-26. Review status: criteria provided, single submitter. Criteria: ACMG Guidelines, 2015. Collection method: clinical testing. Allele origin: germline.

Mayo Clinic Laboratories, Mayo Clinic
Classification: Uncertain significance. Last evaluated: 2024-07-30. Review status: criteria provided, single submitter. Criteria: ACMG Guidelines, 2015. Collection method: clinical testing. Allele origin: germline. Observed: 1 variant allele.
Comment: PP3_moderate

Fulgent Genetics
Classification: Uncertain significance for Paramyotonia congenita of Von Eulenburg; Hyperkalemic periodic paralysis; Potassium-aggravated myotonia; Hypokalemic periodic paralysis, type 2; Congenital myasthenic syndrome 16; Congenital myopathy 22A, classic; Congenital myopathy 22B, severe fetal. Last evaluated: 2024-04-17. Review status: criteria provided, single submitter. Criteria: ACMG Guidelines, 2015. Collection method: clinical testing. Allele origin: germline.

Literature cited by the submitters: PubMed 30420713 (cited by Mayo Clinic Laboratories, Mayo Clinic).